The following is an entry in ClinVar:

NM_005585.5(SMAD6):c.262_263dup (p.Pro89fs)

Gene: SMAD6 (SMAD family member 6; plus strand). Cytogenetic location: 15q22.31.
Variant type: Duplication.
Coding change: c.262_263dup on transcript NM_005585.5 (MANE Select); coding-DNA positions 262 to 263, 2 bases duplicated (GG; older notation c.262_263dupGG).
Protein change: p.Pro89fs; shifts the reading frame from proline 89.
Molecular consequence: frameshift variant. On other transcripts: non-coding transcript variant (1).
Genome position (GRCh38, 1-based): chr15:66,703,520-66,703,521, GG duplicated; duplicating any 2 consecutive bases within chr15:66,703,517-66,703,521 gives the same sequence; the c. name uses the placement nearest the transcript's 3' end. VCF-style (leftmost placement, unchanged base first): chr15-66703516-A-AGG. GRCh37 (hg19) VCF-style: chr15-66995854-A-AGG.
Other names: short protein forms P89fs.
Identifiers: ClinVar variation 3729241 (VCV003729241.2).
Genomic context (GRCh38, chr15:66,703,516, plus strand): 5'-GCGGCCCCGGGACGCAGTGGGACAGCGAGGCGCCCAGGGCGCGGGGAGGCGCCGGCGCGC[A>AGG]GGGGGCCCCCCGAGGCCCATGTCGGAGCCAGGGGCCGGCGCTGGGAGCTCCCTGCTGGAC-3'

ClinVar aggregate classification (germline): Uncertain significance (1 of 4 stars; one submission).

Conditions:
Aortic valve disease 2 (AOVD2). Identifiers: MedGen C3542024, MONDO:0013902, OMIM 614823.

Submission:

Labcorp Genetics (formerly Invitae), Labcorp
Classification: Uncertain significance for Aortic valve disease 2. Last evaluated: 2025-01-20. Review status: criteria provided, single submitter. Criteria: Invitae Variant Classification Sherloc (09022015). Collection method: clinical testing. Allele origin: germline.
Comment: This sequence change creates a premature translational stop signal (p.Pro89Alafs*37) in the SMAD6 gene. It is expected to result in an absent or disrupted protein product. However, the current clinical and genetic evidence is not sufficient to establish whether loss-of-function variants in SMAD6 cause disease. This variant is not present in population databases (gnomAD no frequency). This variant has not been reported in the literature in individuals affected with SMAD6-related conditions. In summary, the available evidence is currently insufficient to determine the role of this variant in disease. Therefore, it has been classified as a Variant of Uncertain Significance.